The following is an entry in ClinVar:

NM_182914.3(SYNE2):c.7163A>G (p.Glu2388Gly)

Gene: SYNE2 (spectrin repeat containing nuclear envelope protein 2; plus strand). Cytogenetic location: 14q23.2.
Variant type: single nucleotide variant.
Coding change: c.7163A>G on transcript NM_182914.3 (MANE Select); coding-DNA position 7163, A replaced by G.
Protein change: p.Glu2388Gly; replaces glutamic acid 2388 with glycine.
Molecular consequence: missense variant.
Genome position (GRCh38, 1-based): chr14:64,031,299, A>G. VCF-style: chr14-64031299-A-G. GRCh37 (hg19) VCF-style: chr14-64498017-A-G.
Other names: c.7163A>G, p.Glu2388Gly (NM_015180.6); short protein forms E2388G.
Identifiers: ClinVar variation 252805 (VCV000252805.48), dbSNP rs45590135, ClinGen allele CA7220854.

ClinVar aggregate classification (germline): Conflicting classifications of pathogenicity. Review status: criteria provided, conflicting classifications (1 of 4 stars). 10 submissions from 10 submitters: Uncertain significance (1); Benign (2); Likely benign (7). Last evaluated 2026-09-01.

Conditions:
Emery-Dreifuss muscular dystrophy 5, autosomal dominant (EDMD5). Also called: EMERY-DREIFUSS MUSCULAR DYSTROPHY 5. Identifiers: Orphanet 261, MedGen C2751805, MONDO:0013072, OMIM 612999.

Allele frequency attached by ClinVar (database versions not stated): 1000 Genomes Project 0.00080; 1000 Genomes Project 30x 0.00094; TOPMed 0.00114; ESP Exome Variant Server 0.00116; gnomAD 0.00116 and 0.00121; ExAC 0.00155; gnomAD exomes 0.00168 and 0.00187.
gnomAD v4.1: 2,918 of 1,614,190 alleles (0.18%); highest among the groups gnomAD compares: Middle Eastern, 0.61%; 10 homozygotes.

Submissions (10):

CeGaT Center for Human Genetics Tuebingen
Classification: Likely benign. Last evaluated: 2026-09-01. Review status: criteria provided, single submitter. Criteria: CeGaT Center For Human Genetics Tuebingen Variant Classification Criteria Version 2. Collection method: clinical testing. Allele origin: germline. Affected: yes. Observed: 7 variant alleles.
Comment: SYNE2: BP4

Labcorp Genetics (formerly Invitae), Labcorp
Classification: Likely benign for Emery-Dreifuss muscular dystrophy 5, autosomal dominant. Last evaluated: 2026-01-19. Review status: criteria provided, single submitter. Criteria: Invitae Variant Classification Sherloc (09022015). Collection method: clinical testing. Allele origin: germline.

Genomic Medicine Center of Excellence, King Faisal Specialist Hospital and Research Centre
Classification: Likely benign. Last evaluated: 2025-08-18. Review status: criteria provided, single submitter. Criteria: ACMG Guidelines, 2015. Collection method: clinical testing. Allele origin: germline.

Blueprint Genetics
Classification: Likely benign. Last evaluated: 2024-11-13. Review status: criteria provided, single submitter. Criteria: ACMG Guidelines, 2015. Collection method: clinical testing. Allele origin: germline.

Ambry Genetics
Classification: Uncertain significance. Last evaluated: 2021-09-16. Review status: criteria provided, single submitter. Criteria: Ambry Variant Classification Scheme 2023. Collection method: clinical testing. Allele origin: germline.

Athena Diagnostics
Classification: Likely benign. Last evaluated: 2020-04-06. Review status: criteria provided, single submitter. Criteria: Athena Diagnostics Criteria. Collection method: clinical testing. Allele origin: unknown.

Illumina Laboratory Services, Illumina
Classification: Benign for Emery-Dreifuss muscular dystrophy 5, autosomal dominant. Last evaluated: 2018-01-13. Review status: criteria provided, single submitter. Criteria: ICSL Variant Classification Criteria 13 December 2019. Collection method: clinical testing. Allele origin: germline.
Comment: This variant was observed in the ICSL laboratory as part of a predisposition screen in an ostensibly healthy population. It had not been previously curated by ICSL or reported in the Human Gene Mutation Database (HGMD: prior to June 1st, 2018), and was therefore a candidate for classification through an automated scoring system. Utilizing variant allele frequency, disease prevalence and penetrance estimates, and inheritance mode, an automated score was calculated to assess if this variant is too frequent to cause the disease. Based on the score and internal cut-off values, a variant classified as benign is not then subjected to further curation. The score for this variant resulted in a classification of benign for this disease.

Eurofins Ntd Llc (ga)
Classification: Likely benign. Last evaluated: 2015-11-13. Review status: criteria provided, single submitter. Criteria: EGL Classification Definitions 2015. Collection method: clinical testing. Allele origin: germline. Observed: 3 variant alleles, 2 heterozygotes.

Genomic Diagnostic Laboratory, Division of Genomic Diagnostics, Children's Hospital of Philadelphia
Classification: Benign. Last evaluated: 2015-09-18. Review status: criteria provided, single submitter. Criteria: DGD Variant Analysis Guidelines. Collection method: clinical testing. Allele origin: unknown.

Breakthrough Genomics
Classification: Likely benign. Review status: criteria provided, single submitter. Criteria: ACMG Guidelines, 2015. Collection method: not provided. Allele origin: germline. Inheritance: Autosomal dominant inheritance. Affected: yes.